The following is an entry in ClinVar:

NM_002032.3(FTH1):c.72G>T (p.Gln24His)

Genes: FTH1 (ferritin heavy chain 1; minus strand), LOC130005816 (ATAC-STARR-seq lymphoblastoid silent region 3409; plus strand), LOC399900 (uncharacterized LOC399900; plus strand). Cytogenetic location: 11q12.3.
Variant type: single nucleotide variant.
Coding change: c.72G>T on transcript NM_002032.3 (MANE Select); coding-DNA position 72, G replaced by T.
Protein change: p.Gln24His; replaces glutamine 24 with histidine.
Molecular consequence: missense variant. On other transcripts: non-coding transcript variant (1).
Genome position (GRCh38, 1-based): chr11:61,967,354, C>A on the plus strand (G>T on the coding strand, the complement: FTH1 is on the minus strand). VCF-style: chr11-61967354-C-A. GRCh37 (hg19) VCF-style: chr11-61734826-C-A.
Other names: short protein forms Q24H.
Identifiers: ClinVar variation 5022060 (VCV005022060.1).

ClinVar aggregate classification (germline): Uncertain significance (1 of 4 stars; one submission).

Conditions:
Inborn genetic diseases. Identifiers: MedGen C0950123, MeSH D030342.

gnomAD v4.1: 2 of 1,606,824 alleles (0.00012%); highest among the groups gnomAD compares: African/African-American, 0.0027%; no homozygotes.

Submission:

Ambry Genetics
Classification: Uncertain significance for Inborn genetic diseases. Last evaluated: 2026-07-13. Review status: criteria provided, single submitter. Criteria: Ambry Variant Classification Scheme 2023. Collection method: clinical testing. Allele origin: germline.
Comment: The c.72G>T (p.Q24H) alteration is located in exon 1 (coding exon 1) of the FTH1 gene. This alteration results from a G to T substitution at nucleotide position 72, causing the glutamine (Q) at amino acid position 24 to be replaced by a histidine (H). Based on data from gnomAD, the T allele has an overall frequency of <0.001% (1/240264) total alleles studied. The highest observed frequency was 0.007% (1/13982) of African alleles. Based on insufficient or conflicting evidence, the clinical significance of this alteration remains unclear.